The following is an entry in ClinVar:

ClinVar aggregate classification (germline): Uncertain significance (1 of 4 stars; one submission).

Submission:

Labcorp Genetics (formerly Invitae), Labcorp
Classification: Uncertain significance. Last evaluated: 2024-12-02. Review status: criteria provided, single submitter. Criteria: Invitae Variant Classification Sherloc (09022015). Collection method: clinical testing. Allele origin: germline.
Comment: This sequence change replaces alanine, which is neutral and non-polar, with threonine, which is neutral and polar, at codon 345 of the NDUFV1 protein (p.Ala345Thr). This variant is not present in population databases (gnomAD no frequency). This variant has not been reported in the literature in individuals affected with NDUFV1-related conditions. Invitae Evidence Modeling of protein sequence and biophysical properties (such as structural, functional, and spatial information, amino acid conservation, physicochemical variation, residue mobility, and thermodynamic stability) has been performed for this missense variant. However, the output from this modeling did not meet the statistical confidence thresholds required to predict the impact of this variant on NDUFV1 protein function. In summary, the available evidence is currently insufficient to determine the role of this variant in disease. Therefore, it has been classified as a Variant of Uncertain Significance.

NM_007103.4(NDUFV1):c.1033G>A (p.Ala345Thr)

Gene: NDUFV1 (NADH:ubiquinone oxidoreductase core subunit V1; plus strand). Cytogenetic location: 11q13.2.
Variant type: single nucleotide variant.
Coding change: c.1033G>A on transcript NM_007103.4 (MANE Select); coding-DNA position 1033, G replaced by A.
Protein change: p.Ala345Thr; replaces alanine 345 with threonine.
Molecular consequence: missense variant.
Genome position (GRCh38, 1-based): chr11:67,611,522, G>A. VCF-style: chr11-67611522-G-A. GRCh37 (hg19) VCF-style: chr11-67378993-G-A.
Other names: c.1006G>A, p.Ala336Thr (NM_001166102.2); short protein forms A336T, A345T.
Identifiers: ClinVar variation 3682750 (VCV003682750.2).